The following is an entry in ClinVar:

NM_138694.4(PKHD1):c.11387C>A (p.Ser3796Ter)

Gene: PKHD1 (PKHD1 ciliary IPT domain containing fibrocystin/polyductin; minus strand). Cytogenetic location: 6p12.3.
Variant type: single nucleotide variant.
Coding change: c.11387C>A on transcript NM_138694.4 (MANE Select); coding-DNA position 11387, C replaced by A.
Protein change: p.Ser3796Ter; replaces serine 3796 with a stop codon.
Molecular consequence: nonsense.
Genome position (GRCh38, 1-based): chr6:51,648,042, G>T on the plus strand (C>A on the coding strand, the complement: PKHD1 is on the minus strand). VCF-style: chr6-51648042-G-T. GRCh37 (hg19) VCF-style: chr6-51512840-G-T.
Other names: short protein forms S3796*.
Identifiers: ClinVar variation 2677805 (VCV002677805.3), dbSNP rs757605574, ClinGen allele CA364425151.

ClinVar aggregate classification (germline): Likely pathogenic. Review status: criteria provided, multiple submitters, no conflicts (2 of 4 stars). 2 submissions from 2 submitters: Likely pathogenic (2). Last evaluated 2023-06-09.

Conditions:
Polycystic kidney disease 4 (PKD4). Also called: POLYCYSTIC KIDNEY AND HEPATIC DISEASE 1; POLYCYSTIC KIDNEY DISEASE, INFANTILE, TYPE I; PKD3; POLYCYSTIC KIDNEY DISEASE 4 WITH OR WITHOUT POLYCYSTIC LIVER DISEASE; Autosomal Recessive Polycystic Kidney Disease – PKHD1. Identifiers: MedGen C4540575, MONDO:0033004, OMIM 263200.

Submissions (2):

Baylor Genetics
Classification: Likely pathogenic for Polycystic kidney disease 4. Last evaluated: 2023-06-09. Review status: criteria provided, single submitter. Criteria: ACMG Guidelines, 2015. Collection method: clinical testing. Allele origin: unknown.

Juno Genomics, Hangzhou Juno Genomics, Inc
Classification: Likely pathogenic for Polycystic kidney disease 4. Review status: criteria provided, single submitter. Criteria: ACMG Guidelines, 2015. Collection method: clinical testing. Allele origin: germline.
Comment: Null variant in a gene where loss of function (LOF) is a known mechanism of disease.;Absent from controls (or at extremely low frequency if recessive) in Genome Aggregation Database.